The following is an entry in ClinVar:

ClinVar aggregate classification (germline): Uncertain significance (1 of 4 stars; one submission).

Conditions:
Cardiomyopathy (CMYO). Also called: Cardiomyopathies. Identifiers: Orphanet 167848, MedGen C0878544, MONDO:0004994, HP:0001638. Inheritance: Various modes of inheritance.

Submission:

Color Diagnostics, LLC DBA Color Health
Classification: Uncertain significance for Cardiomyopathy. Last evaluated: 2023-03-15. Review status: criteria provided, single submitter. Criteria: ACMG Guidelines, 2015. Collection method: clinical testing. Allele origin: germline.
Comment: This missense variant replaces aspartic acid with tyrosine at codon 249 of the TNNT2 protein. Computational prediction suggests that this variant may have a deleterious impact on protein structure and function (internally defined REVEL score threshold >= 0.7, PMID: 27666373). To our knowledge, functional studies have not been reported for this variant. This variant has not been reported in individuals affected with TNNT2-related disorders in the literature. This variant has not been identified in the general population by the Genome Aggregation Database (gnomAD). The available evidence is insufficient to determine the role of this variant in disease conclusively. Therefore, this variant is classified as a Variant of Uncertain Significance.

NM_001276345.2(TNNT2):c.775G>T (p.Asp259Tyr)

Gene: TNNT2 (troponin T2, cardiac type; minus strand). Cytogenetic location: 1q32.1.
Variant type: single nucleotide variant.
Coding change: c.775G>T on transcript NM_001276345.2 (MANE Select); coding-DNA position 775, G replaced by T.
Protein change: p.Asp259Tyr; replaces aspartic acid 259 with tyrosine.
Molecular consequence: missense variant.
Genome position (GRCh38, 1-based): chr1:201,361,314, C>A on the plus strand (G>T on the coding strand, the complement: TNNT2 is on the minus strand). VCF-style: chr1-201361314-C-A. GRCh37 (hg19) VCF-style: chr1-201330442-C-A.
Other names: c.766G>T, p.Asp256Tyr (NM_000364.4, NM_001406723.1); c.745G>T, p.Asp249Tyr (NM_001001430.3, NM_001276347.2, NM_001406724.1); c.736G>T, p.Asp246Tyr (NM_001001431.3, NM_001406726.1, NM_001406727.1); c.727G>T, p.Asp243Tyr (NM_001001432.3); c.646G>T, p.Asp216Tyr (NM_001276346.2); c.742G>T, p.Asp248Tyr (NM_001406725.1); c.730G>T, p.Asp244Tyr (NM_001406728.1); short protein forms D216Y, D259Y, D243Y, D256Y, D248Y, D244Y, D246Y, D249Y.
Identifiers: ClinVar variation 2774628 (VCV002774628.2), dbSNP rs141805127, ClinGen allele CA090046.